The following is an entry in ClinVar:

ClinVar aggregate classification (germline): Uncertain significance. Review status: criteria provided, multiple submitters, no conflicts (2 of 4 stars). 6 submissions from 6 submitters: Uncertain significance (6). Last evaluated 2025-10-22.

Conditions:
Inborn genetic diseases. Identifiers: MedGen C0950123, MeSH D030342.
Autosomal recessive ataxia, Beauce type. Also called: Spinocerebellar ataxia, autosomal recessive 8; ATAXIA, RECESSIVE, OF BEAUCE; SYNE1 Deficiency; SYNE1-Related Autosomal Recessive Cerebellar Ataxia. Identifiers: Orphanet 88644, MedGen C1853116, MONDO:0012549, OMIM 610743.
Emery-Dreifuss muscular dystrophy 4, autosomal dominant (EDMD4). Also called: EMERY-DREIFUSS MUSCULAR DYSTROPHY 4 WITH VARIABLE FEATURES. Identifiers: Orphanet 261, MedGen C2751807, MONDO:0013071, OMIM 612998.

Allele frequency attached by ClinVar (database versions not stated): gnomAD exomes 0.00006; ExAC 0.00007; gnomAD 0.00014 and 0.00016; TOPMed 0.00022; 1000 Genomes Project 30x 0.00031; ESP Exome Variant Server 0.00031; 1000 Genomes Project 0.00040.
gnomAD v4.1: 81 of 1,613,916 alleles (0.005%); highest among the groups gnomAD compares: African/African-American, 0.036%; no homozygotes.

Submissions (6):

GeneDx
Classification: Uncertain significance. Last evaluated: 2025-10-22. Review status: criteria provided, single submitter. Criteria: GeneDx Variant Classification Process June 2021. Collection method: clinical testing. Allele origin: germline. Affected: yes.
Comment: In silico analysis suggests that this missense variant does not alter protein structure/function; Has not been previously published as pathogenic or benign to our knowledge

Athena Diagnostics
Classification: Uncertain significance. Last evaluated: 2024-10-16. Review status: criteria provided, single submitter. Criteria: Athena Diagnostics Criteria. Collection method: clinical testing. Allele origin: unknown.
Comment: Available data are insufficient to determine the clinical significance of the variant at this time. The frequency of this variant in the general population is higher than would generally be expected for pathogenic variants in this gene. Polyphen and MutationTaster predict this amino acid change may be benign.

Labcorp Genetics (formerly Invitae), Labcorp
Classification: Uncertain significance for Emery-Dreifuss muscular dystrophy 4, autosomal dominant; Autosomal recessive ataxia, Beauce type. Last evaluated: 2023-10-03. Review status: criteria provided, single submitter. Criteria: Invitae Variant Classification Sherloc (09022015). Collection method: clinical testing. Allele origin: germline.
Comment: This sequence change replaces alanine, which is neutral and non-polar, with valine, which is neutral and non-polar, at codon 3147 of the SYNE1 protein (p.Ala3147Val). This variant is present in population databases (rs146402274, gnomAD 0.05%). This variant has not been reported in the literature in individuals affected with SYNE1-related conditions. ClinVar contains an entry for this variant (Variation ID: 288074). An algorithm developed to predict the effect of missense changes on protein structure and function (PolyPhen-2) suggests that this variant¬†is likely to be tolerated. In summary, the available evidence is currently insufficient to determine the role of this variant in disease. Therefore, it has been classified as a Variant of Uncertain Significance.

Ambry Genetics
Classification: Uncertain significance for Inborn genetic diseases. Last evaluated: 2021-06-22. Review status: criteria provided, single submitter. Criteria: Ambry Variant Classification Scheme 2023. Collection method: clinical testing. Allele origin: germline.

Revvity Omics, Revvity
Classification: Uncertain significance. Last evaluated: 2020-07-13. Review status: criteria provided, single submitter. Criteria: ACMG Guidelines, 2015. Collection method: clinical testing. Allele origin: germline.

Eurofins Ntd Llc (ga)
Classification: Uncertain significance. Last evaluated: 2018-09-14. Review status: criteria provided, single submitter. Criteria: EGL ClinVar v180209 classification definitions. Collection method: clinical testing. Allele origin: germline. Observed: 4 variant alleles, 4 heterozygotes.

NM_182961.4(SYNE1):c.9419C>T (p.Ala3140Val)

Gene: SYNE1 (spectrin repeat containing nuclear envelope protein 1; minus strand). Cytogenetic location: 6q25.2.
Variant type: single nucleotide variant.
Coding change: c.9419C>T on transcript NM_182961.4 (MANE Select); coding-DNA position 9419, C replaced by T.
Protein change: p.Ala3140Val; replaces alanine 3140 with valine.
Molecular consequence: missense variant.
Genome position (GRCh38, 1-based): chr6:152,373,125, G>A on the plus strand (C>T on the coding strand, the complement: SYNE1 is on the minus strand). VCF-style: chr6-152373125-G-A. GRCh37 (hg19) VCF-style: chr6-152694260-G-A.
Other names: c.9419C>T (NM_182961.2); c.9440C>T, p.Ala3147Val (NM_033071.5); short protein forms A3147V, A3140V.
Identifiers: ClinVar variation 288074 (VCV000288074.17), dbSNP rs146402274, ClinGen allele CA4057326.